The following is an entry in ClinVar:

ClinVar aggregate classification (germline): Benign. Review status: criteria provided, multiple submitters, no conflicts (2 of 4 stars). 3 submissions from 3 submitters: Benign (2). 1 of the submissions does not count toward it. Last evaluated 2018-06-10.

Conditions:
ARHGAP32-related disorder. Also called: ARHGAP32-related condition.

Allele frequency attached by ClinVar (database versions not stated): gnomAD exomes 0.00042 and 0.00119; ExAC 0.00143; 1000 Genomes Project 0.00280; 1000 Genomes Project 30x 0.00312; gnomAD 0.00451 and 0.00493; TOPMed 0.00492; ESP Exome Variant Server 0.00562.
gnomAD v4.1: 1,314 of 1,614,178 alleles (0.081%); highest among the groups gnomAD compares: African/African-American, 1.6%; 13 homozygotes.

Submissions (3):

Labcorp Genetics (formerly Invitae), Labcorp
Classification: Benign. Last evaluated: 2018-06-10. Review status: criteria provided, single submitter. Criteria: Invitae Variant Classification Sherloc (09022015). Collection method: clinical testing. Allele origin: germline.

Breakthrough Genomics
Classification: Benign. Review status: criteria provided, single submitter. Criteria: ACMG Guidelines, 2015. Collection method: not provided. Allele origin: germline. Inheritance: Unknown mechanism. Affected: yes.

PreventionGenetics, part of Exact Sciences
Classification: Benign for ARHGAP32-related condition. Last evaluated: 2019-07-12. Review status: no assertion criteria provided. Collection method: clinical testing. Allele origin: germline. Not counted in ClinVar's aggregate classification.
Comment: This variant is classified as benign based on ACMG/AMP sequence variant interpretation guidelines (Richards et al. 2015 PMID: 25741868, with internal and published modifications).

NM_001378024.1(ARHGAP32):c.5176C>T (p.Arg1726Trp)

Gene: ARHGAP32 (Rho GTPase activating protein 32; minus strand). Cytogenetic location: 11q24.3.
Variant type: single nucleotide variant.
Coding change: c.5176C>T on transcript NM_001378024.1 (MANE Select); coding-DNA position 5176, C replaced by T.
Protein change: p.Arg1726Trp; replaces arginine 1726 with tryptophan.
Molecular consequence: missense variant.
Genome position (GRCh38, 1-based): chr11:128,970,037, G>A on the plus strand (C>T on the coding strand, the complement: ARHGAP32 is on the minus strand). VCF-style: chr11-128970037-G-A. GRCh37 (hg19) VCF-style: chr11-128839932-G-A.
Other names: c.5134C>T, p.Arg1712Trp (NM_001142685.2); c.5014C>T, p.Arg1672Trp (NM_001378025.1); c.4087C>T, p.Arg1363Trp (NM_014715.4); short protein forms R1363W, R1712W, R1672W, R1726W.
Identifiers: ClinVar variation 788574 (VCV000788574.6), dbSNP rs79961242, ClinGen allele CA6358445.